The following is an entry in ClinVar:

ClinVar aggregate classification (germline): Uncertain significance (1 of 4 stars; one submission).

Conditions:
Frontotemporal dementia and/or amyotrophic lateral sclerosis 6 (FTDALS6). Also called: VCP-Related Amyotrophic Lateral Sclerosis/Frontotemporal Dementia; VCP-Related Amyotrophic Lateral Sclerosis. Identifiers: Orphanet 275872, Orphanet 803, MedGen C5436279, MONDO:0013501, OMIM 613954.
Inclusion body myopathy with Paget disease of bone and frontotemporal dementia. Also called: Inclusion body myopathy with early-onset Paget disease and frontotemporal dementia. Identifiers: Orphanet 52430, MedGen C1833662, MONDO:0000507.

Submission:

Labcorp Genetics (formerly Invitae), Labcorp
Classification: Uncertain significance for Inclusion body myopathy with Paget disease of bone and frontotemporal dementia; Frontotemporal dementia and/or amyotrophic lateral sclerosis 6. Last evaluated: 2022-07-19. Review status: criteria provided, single submitter. Criteria: Invitae Variant Classification Sherloc (09022015). Collection method: clinical testing. Allele origin: germline.
Comment: Advanced modeling of protein sequence and biophysical properties (such as structural, functional, and spatial information, amino acid conservation, physicochemical variation, residue mobility, and thermodynamic stability) performed at Invitae indicates that this missense variant is not expected to disrupt VCP protein function. This variant has not been reported in the literature in individuals affected with VCP-related conditions. This variant is not present in population databases (gnomAD no frequency). This sequence change replaces leucine, which is neutral and non-polar, with isoleucine, which is neutral and non-polar, at codon 639 of the VCP protein (p.Leu639Ile). In summary, the available evidence is currently insufficient to determine the role of this variant in disease. Therefore, it has been classified as a Variant of Uncertain Significance.

NM_007126.5(VCP):c.1915C>A (p.Leu639Ile)

Gene: VCP (valosin containing protein; minus strand). Cytogenetic location: 9p13.3.
Variant type: single nucleotide variant.
Coding change: c.1915C>A on transcript NM_007126.5 (MANE Select); coding-DNA position 1915, C replaced by A.
Protein change: p.Leu639Ile; replaces leucine 639 with isoleucine.
Molecular consequence: missense variant.
Genome position (GRCh38, 1-based): chr9:35,059,582, G>T on the plus strand (C>A on the coding strand, the complement: VCP is on the minus strand). VCF-style: chr9-35059582-G-T. GRCh37 (hg19) VCF-style: chr9-35059579-G-T.
Other names: c.1780C>A, p.Leu594Ile (NM_001354927.2, NM_001354928.2); short protein forms L594I, L639I.
Identifiers: ClinVar variation 2090326 (VCV002090326.4), dbSNP rs2490347976, ClinGen allele CA373275361.